The following is an entry in ClinVar:

ClinVar aggregate classification (germline): Pathogenic (1 of 4 stars; one submission).

Conditions:
Ehlers-Danlos syndrome, dermatosparaxis type. Also called: EDS VIIC; Dermatosparaxis; Ehlers-Danlos syndrome, type VII, autosomal recessive. Identifiers: Orphanet 1901, MedGen C2700425, MONDO:0009161, OMIM 225410.

Submission:

Myriad Genetics, Inc.
Classification: Pathogenic for Ehlers-Danlos syndrome, dermatosparaxis type. Last evaluated: 2024-05-14. Review status: criteria provided, single submitter. Criteria: Myriad Autosomal Dominant, Autosomal Recessive and X-Linked Classification Criteria (2023). Collection method: clinical testing. Allele origin: unknown.
Comment: NM_014244.4(ADAMTS2):c.1280_1281ins14(E428Rfs*2) is expected to be pathogenic in the context of Ehlers-Danlos syndrome, ADAMTS2-related. This variant is predicted to lead to an abnormal or absent protein product due to the creation of a premature termination codon in ADAMTS2, a gene where loss-of-function variants are known to be pathogenic. Please note: this variant was assessed in the context of healthy population screening.

NM_014244.5(ADAMTS2):c.1280_1281insTCGGTAACCATTGC (p.Asp427_Glu428insArgTer)

Gene: ADAMTS2 (ADAM metallopeptidase with thrombospondin type 1 motif 2; minus strand). Cytogenetic location: 5q35.3.
Variant type: Insertion.
Coding change: c.1280_1281insTCGGTAACCATTGC on transcript NM_014244.5 (MANE Select); coding-DNA positions 1280 to 1281, TCGGTAACCATTGC inserted.
Protein change: p.Asp427_Glu428insArgTer.
Molecular consequence: nonsense.
Genome position: GRCh38 VCF-style: chr5-179154150-G-GGCAATGGTTACCGA. GRCh37 (hg19) VCF-style: chr5-178581151-G-GGCAATGGTTACCGA.
Other names: c.1280_1281insTCGGTAACCATTGC, p.Asp427_Glu428insArgTer (NM_021599.4).
Identifiers: ClinVar variation 5016353 (VCV005016353.1).